The following is an entry in ClinVar:

NM_000091.5(COL4A3):c.485A>G (p.Glu162Gly)

Genes: COL4A3 (collagen type IV alpha 3 chain; plus strand), MFF-DT (MFF divergent transcript; minus strand). Cytogenetic location: 2q36.3.
Variant type: single nucleotide variant.
Coding change: c.485A>G on transcript NM_000091.5 (MANE Select); coding-DNA position 485, A replaced by G.
Protein change: p.Glu162Gly; replaces glutamic acid 162 with glycine.
Molecular consequence: missense variant.
Genome position (GRCh38, 1-based): chr2:227,248,459, A>G. VCF-style: chr2-227248459-A-G. GRCh37 (hg19) VCF-style: chr2-228113175-A-G.
Other names: short protein forms E162G.
Identifiers: ClinVar variation 255001 (VCV000255001.36), dbSNP rs6436669, ClinGen allele CA2146171.

ClinVar aggregate classification (germline): Benign. Review status: criteria provided, multiple submitters, no conflicts (2 of 4 stars). 16 submissions from 15 submitters: Benign (13). 3 of the submissions do not count toward it. Last evaluated 2026-02-04.

Conditions:
Alport syndrome. Also called: Hemorrhagic familial nephritis; Hemorrhagic hereditary nephritis; Congenital hereditary hematuria. Identifiers: Orphanet 63, MedGen C1567741, MONDO:0018965.
Autosomal dominant Alport syndrome (ATS3A). Also called: Alport syndrome dominant type; Renal failure and sensorineural hearing loss; ALPORT SYNDROME 3A, AUTOSOMAL DOMINANT. Identifiers: Orphanet 63, Orphanet 88918, MedGen C5882663, MONDO:0007086, OMIM 104200.
Autosomal recessive Alport syndrome (ATS2). Also called: ALPORT SYNDROME 2, AUTOSOMAL RECESSIVE; Alport syndrome type 2; COL4A4 Alport Syndrome and Thin Basement Membrane Nephropathy; COL4A3-Related Nephropathy. Identifiers: Orphanet 63, Orphanet 88919, MedGen C4746745, MONDO:0008762, OMIM 203780.

Allele frequency attached by ClinVar (database versions not stated): ESP Exome Variant Server 0.77013; gnomAD 0.77323 and 0.77961; TOPMed 0.77494; 1000 Genomes Project 30x 0.79091; 1000 Genomes Project 0.79633; ExAC 0.83040; gnomAD exomes 0.83463 and 0.83878.
gnomAD v4.1: 1,340,188 of 1,609,424 alleles (83%); highest among the groups gnomAD compares: East Asian, 89%; 560,380 homozygotes.

Submissions (16):

Labcorp Genetics (formerly Invitae), Labcorp
Classification: Benign. Last evaluated: 2026-02-04. Review status: criteria provided, single submitter. Criteria: Invitae Variant Classification Sherloc (09022015). Collection method: clinical testing. Allele origin: germline.

ARUP Laboratories, Molecular Genetics and Genomics, ARUP Laboratories
Classification: Benign. Last evaluated: 2025-07-16. Review status: criteria provided, single submitter. Criteria: ARUP Molecular Germline Variant Investigation Process 2024. Collection method: clinical testing. Allele origin: germline.

Blueprint Genetics
Classification: Benign. Last evaluated: 2024-11-26. Review status: criteria provided, single submitter. Criteria: ACMG Guidelines, 2015. Collection method: clinical testing. Allele origin: germline.

Unidad de Genómica Garrahan, Hospital de Pediatría Garrahan
Classification: Benign. Last evaluated: 2024-07-15. Review status: criteria provided, single submitter. Criteria: ACMG Guidelines, 2015. Collection method: clinical testing. Allele origin: germline. Affected: no. Observed: 92 variant alleles.
Comment: This variant is classified as Benign based on local population frequency. This variant was detected in 99% of patients studied in a panel designed for Epileptic and Developmental Encephalopathy and Progressive Myoclonus Epilepsy. Number of patients: 92. Only high quality variants are reported.

Mayo Clinic Laboratories, Mayo Clinic
Classification: Benign. Last evaluated: 2022-03-09. Review status: criteria provided, single submitter. Criteria: ACMG Guidelines, 2015. Collection method: clinical testing. Allele origin: germline. Observed: 359 variant alleles.

Genome-Nilou Lab
Classification: Benign for Autosomal dominant Alport syndrome. Last evaluated: 2021-07-30. Review status: criteria provided, single submitter. Criteria: ACMG Guidelines, 2015. Collection method: clinical testing. Allele origin: germline. Affected: no.

Genome-Nilou Lab
Classification: Benign for Autosomal recessive Alport syndrome. Last evaluated: 2021-06-10. Review status: criteria provided, single submitter. Criteria: ACMG Guidelines, 2015. Collection method: clinical testing. Allele origin: germline. Affected: no.

Illumina Laboratory Services, Illumina
Classification: Benign for Alport syndrome. Last evaluated: 2018-01-13. Review status: criteria provided, single submitter. Criteria: ICSL Variant Classification Criteria 13 December 2019. Collection method: clinical testing. Allele origin: germline.
Comment: This variant was observed in the ICSL laboratory as part of a predisposition screen in an ostensibly healthy population. It had not been previously curated by ICSL or reported in the Human Gene Mutation Database (HGMD: prior to June 1st, 2018), and was therefore a candidate for classification through an automated scoring system. Utilizing variant allele frequency, disease prevalence and penetrance estimates, and inheritance mode, an automated score was calculated to assess if this variant is too frequent to cause the disease. Based on the score and internal cut-off values, a variant classified as benign is not then subjected to further curation. The score for this variant resulted in a classification of benign for this disease.

GeneDx
Classification: Benign. Last evaluated: 2017-05-09. Review status: criteria provided, single submitter. Criteria: GeneDx Variant Classification (06012015). Collection method: clinical testing. Allele origin: germline. Affected: yes.
Comment: This variant is considered likely benign or benign based on one or more of the following criteria: it is a conservative change, it occurs at a poorly conserved position in the protein, it is predicted to be benign by multiple in silico algorithms, and/or has population frequency not consistent with disease.

Athena Diagnostics
Classification: Benign. Last evaluated: 2017-04-28. Review status: criteria provided, single submitter. Criteria: Athena Diagnostics Criteria. Collection method: clinical testing. Allele origin: unknown.

Laboratory for Molecular Medicine, Mass General Brigham Personalized Medicine
Classification: Benign. Last evaluated: 2016-03-21. Review status: criteria provided, single submitter. Criteria: LMM Criteria. Collection method: clinical testing. Allele origin: germline. Observed: 268 variant alleles.
Comment: p.Glu162Gly in exon 9 of COL4A3: This variant is not expected to have clinical s ignificance because it has been identified in 91.38% (7859/8600) of East Asian c hromosomes by the Exome Aggregation Consortium (ExAC .org; dbSNP rs6436669).

Breakthrough Genomics
Classification: Benign. Review status: criteria provided, single submitter. Criteria: ACMG Guidelines, 2015. Collection method: not provided. Allele origin: germline. Inheritance: Autosomal recessive inheritance. Affected: yes.

PreventionGenetics, part of Exact Sciences
Classification: Benign. Review status: criteria provided, single submitter. Criteria: ACMG Guidelines, 2015. Collection method: clinical testing. Allele origin: germline.

Natera, Inc.
Classification: Benign for Alport syndrome. Last evaluated: 2020-09-16. Review status: no assertion criteria provided. Collection method: clinical testing. Allele origin: germline. Not counted in ClinVar's aggregate classification.

Diagnostic Laboratory, Department of Genetics, University Medical Center Groningen
Classification: Benign. Review status: no assertion criteria provided. Collection method: clinical testing. Allele origin: germline. Affected: yes. Study: VKGL Data-share Consensus. Not counted in ClinVar's aggregate classification.

Joint Genome Diagnostic Labs from Nijmegen and Maastricht, Radboudumc and MUMC+
Classification: Benign. Review status: no assertion criteria provided. Collection method: clinical testing. Allele origin: germline. Affected: yes. Study: VKGL Data-share Consensus. Not counted in ClinVar's aggregate classification.